The following is an entry in ClinVar:

ClinVar aggregate classification (germline): Uncertain significance. Review status: criteria provided, multiple submitters, no conflicts (2 of 4 stars). 2 submissions from 2 submitters: Uncertain significance (2). Last evaluated 2025-01-15.

Allele frequency attached by ClinVar (database versions not stated): gnomAD exomes 0.00004; TOPMed below 0.00001.
gnomAD v4.1: 15 of 1,551,508 alleles (0.00097%); highest among the groups gnomAD compares: Admixed American, 0.0098%; no homozygotes.

Submissions (2):

Labcorp Genetics (formerly Invitae), Labcorp
Classification: Uncertain significance. Last evaluated: 2025-01-15. Review status: criteria provided, single submitter. Criteria: Invitae Variant Classification Sherloc (09022015). Collection method: clinical testing. Allele origin: germline.
Comment: This sequence change replaces proline, which is neutral and non-polar, with leucine, which is neutral and non-polar, at codon 320 of the UNC80 protein (p.Pro320Leu). This variant is present in population databases (no rsID available, gnomAD 0.02%). This variant has not been reported in the literature in individuals affected with UNC80-related conditions. ClinVar contains an entry for this variant (Variation ID: 1348647). An algorithm developed to predict the effect of missense changes on protein structure and function (PolyPhen-2) suggests that this variant is likely to be disruptive. In summary, the available evidence is currently insufficient to determine the role of this variant in disease. Therefore, it has been classified as a Variant of Uncertain Significance.

Breakthrough Genomics
Classification: Uncertain significance. Review status: criteria provided, single submitter. Criteria: ACMG Guidelines, 2015. Collection method: not provided. Allele origin: germline. Inheritance: Autosomal recessive inheritance. Affected: yes.

NM_001371986.1(UNC80):c.959C>T (p.Pro320Leu)

Gene: UNC80 (unc-80 homolog, NALCN channel complex subunit; plus strand). Cytogenetic location: 2q34.
Variant type: single nucleotide variant.
Coding change: c.959C>T on transcript NM_001371986.1 (MANE Select); coding-DNA position 959, C replaced by T.
Protein change: p.Pro320Leu; replaces proline 320 with leucine.
Molecular consequence: missense variant.
Genome position (GRCh38, 1-based): chr2:209,813,600, C>T. VCF-style: chr2-209813600-C-T. GRCh37 (hg19) VCF-style: chr2-210678324-C-T.
Other names: c.959C>T, p.Pro320Leu (NM_032504.2, NM_182587.4); short protein forms P320L.
Identifiers: ClinVar variation 1348647 (VCV001348647.5), dbSNP rs1443827866, ClinGen allele CA350132780.
Genomic context (GRCh38, chr2:209,813,600, plus strand): 5'-TGATTGTCAGTATAATTATCTTCTTTCTGCCATGGAACAGGGCCTCTCTTGTGATACCTC[C>T]GTGCCAAAGGTCCCGCTATGCCACCTACTTTGACGTTGCTGTTCTGCGCTGCCTACTTCA-3'
Protein context (NP_001358915.1, residues 310-330): SHSRASLVIP[Pro320Leu]CQRSRYATYF